The following is an entry in ClinVar:

ClinVar aggregate classification (germline): Pathogenic (1 of 4 stars; one submission).

Conditions:
Hereditary breast ovarian cancer syndrome. Also called: BRCA1- and BRCA2-Associated Hereditary Breast and Ovarian Cancer; Hereditary breast and ovarian cancer; Hereditary breast and ovarian cancer syndrome; Hereditary breast and/or ovarian cancer syndrome; Hereditary breast and ovarian cancer syndrome (HBOC); Breast and ovarian cancer. Identifiers: Orphanet 145, MedGen C0677776, MeSH D061325, MONDO:0003582. Disease mechanism: loss of function.

Submission:

Labcorp Genetics (formerly Invitae), Labcorp
Classification: Pathogenic for Hereditary breast ovarian cancer syndrome. Last evaluated: 2019-09-23. Review status: criteria provided, single submitter. Criteria: Invitae Variant Classification Sherloc (09022015). Collection method: clinical testing. Allele origin: germline.
Comment: For these reasons, this variant has been classified as Pathogenic. Loss-of-function variants in BRCA1 are known to be pathogenic (PMID: 20104584). This variant has not been reported in the literature in individuals with BRCA1-related conditions. This variant is not present in population databases (ExAC no frequency). This sequence change creates a premature translational stop signal (p.Gln1356Hisfs*10) in the BRCA1 gene. It is expected to result in an absent or disrupted protein product.

Literature cited by the submitters: PubMed 20104584.

NM_007294.4(BRCA1):c.4068_4069delinsT (p.Gln1356fs)

Genes: BRCA1 (BRCA1 DNA repair associated; minus strand), LOC126862571 (BRD4-independent group 4 enhancer GRCh37_chr17:41243136-41244335; plus strand). Cytogenetic location: 17q21.31.
Variant type: Indel.
Coding change: c.4068_4069delinsT on transcript NM_007294.4 (MANE Select); coding-DNA positions 4068 to 4069, AG replaced by T.
Protein change: p.Gln1356fs; shifts the reading frame from glutamine 1356.
Molecular consequence: frameshift variant. On other transcripts: intron variant (135).
Genome position (GRCh38, 1-based): chr17:43,091,462-43,091,463, CT replaced by A on the plus strand (AG replaced by T on the coding strand, the reverse complement: BRCA1 is on the minus strand). VCF-style: chr17-43091462-CT-A. GRCh37 (hg19) VCF-style: chr17-41243479-CT-A.
Other names: c.3855_3856delinsT, p.Gln1285fs (NM_001407571.1, NM_001407853.1, NM_001407894.1 and 9 more transcripts); c.4068_4069delinsT, p.Gln1356fs (NM_001407581.1, NM_001407582.1, NM_001407583.1 and 30 more transcripts); c.4065_4066delinsT, p.Gln1355fs (NM_001407587.1, NM_001407590.1, NM_001407591.1 and 22 more transcripts); c.4059_4060delinsT, p.Gln1353fs (NM_001407646.1, NM_001407647.1); c.3945_3946delinsT, p.Gln1315fs (NM_001407648.1, NM_001407664.1, NM_001407665.1 and 19 more transcripts); c.3942_3943delinsT, p.Gln1314fs (NM_001407649.1, NM_001407670.1, NM_001407671.1 and 11 more transcripts); c.3990_3991delinsT, p.Gln1330fs (NM_001407653.1, NM_001407654.1, NM_001407655.1 and 4 more transcripts); c.3987_3988delinsT, p.Gln1329fs (NM_001407659.1, NM_001407660.1, NM_001407661.1 and 1 more transcripts); and 42 more; short protein forms Q1309fs, Q1356fs, Q1060fs, Q1329fs, Q1355fs, Q1229fs, Q1268fs, Q1285fs.
Identifiers: ClinVar variation 970661 (VCV000970661.7), dbSNP rs2053473970, ClinGen allele CA1139665606.
Genomic context (GRCh38, chr17:43,091,462, plus strand): 5'-ACTGGGGCAAACACAAAAACCTGGTTCCAATACCTAAGTTTGAATCCATGCTTTGCTCTT[CT>A]TGATTATTTTCTTCCAAGCCCGTTCCTCTTTCTTCATCATCTGAAACCAATTCCTTGTCA-3'